The following is an entry in ClinVar:

NC_000011.10:g.2000386A>G

Genes: H19 (H19 imprinted maternally expressed transcript; minus strand), H19-ICR (H19/IGF2 imprinting control region; plus strand), MRPL23 (mitochondrial ribosomal protein L23; plus strand). Cytogenetic location: 11p15.5.
Variant type: single nucleotide variant.
Molecular consequence: intron variant (on NM_001400176.1).
Genome position: GRCh38 VCF-style: chr11-2000386-A-G. GRCh37 (hg19) VCF-style: chr11-2021616-A-G.
Other names: c.498-11155A>G (NM_001400176.1).
Identifiers: ClinVar variation 3356009 (VCV003356009.1).

ClinVar aggregate classification (germline): Likely benign (0 of 4 stars; one submission).

Conditions:
H19-related disorder. Also called: H19-related condition.

Submission:

PreventionGenetics, part of Exact Sciences
Classification: Likely benign for H19-related condition. Last evaluated: 2024-05-16. Review status: no assertion criteria provided. Collection method: clinical testing. Allele origin: germline.
Comment: This variant is classified as likely benign based on ACMG/AMP sequence variant interpretation guidelines (Richards et al. 2015 PMID: 25741868, with internal and published modifications).